The following is an entry in ClinVar:

ClinVar aggregate classification (germline): Uncertain significance. Review status: criteria provided, single submitter (1 of 4 stars). 2 submissions from 1 submitter: Uncertain significance (1). 1 of the submissions does not count toward it. Last evaluated 2021-12-23.

Conditions:
X-linked lymphoproliferative disease due to XIAP deficiency. Also called: XIAP DEFICIENCY; XIAP-Related Lymphoproliferative Disease, X-Linked. Identifiers: Orphanet 2442, Orphanet 538934, MedGen C1845076, MONDO:0010385, OMIM 300635.

Submissions (2):

Labcorp Genetics (formerly Invitae), Labcorp
Classification: Uncertain significance. Last evaluated: 2021-12-23. Review status: criteria provided, single submitter. Criteria: Invitae Variant Classification Sherloc (09022015). Collection method: clinical testing. Allele origin: germline.
Comment: A gross deletion of the genomic region encompassing the full coding sequence of the GRIA3 gene has been identified. The current clinical and genetic evidence is not sufficient to establish whether loss-of-function variants in GRIA3 cause disease. The boundaries of this event are unknown as they extend beyond the assayed region for this gene and therefore may encompass additional genes. A similar copy number variant has been observed in individual(s) with clinical features of GRIA3-related conditions (PMID: 17989220). In summary, the available evidence is currently insufficient to determine the role of this variant in disease. Therefore, it has been classified as a Variant of Uncertain Significance.

Labcorp Genetics (formerly Invitae), Labcorp
Classification: Pathogenic for X-linked lymphoproliferative disease due to XIAP deficiency. Last evaluated: 2021-09-15. Review status: flagged submission. Criteria: Invitae Variant Classification Sherloc (09022015). Collection method: clinical testing. Allele origin: germline. Not counted in ClinVar's aggregate classification.
Comment: A gross deletion of the genomic region encompassing the full coding sequence of the XIAP gene has been identified. Loss-of-function variants in XIAP are known to be pathogenic (PMID: 17080092, 21119115, 25666262). The boundaries of this event are unknown as they extend beyond the assayed region for this gene and therefore may encompass additional genes. A similar copy number variant has been observed in individual(s) with very early onset inflammatory bowel disease (PMID: 26581487). In at least one individual the variant was observed to be de novo. For these reasons, this variant has been classified as Pathogenic.
ClinVar note: Reason: This record appears to be redundant with a more recent record from the same submitter.
ClinVar note: Notes: SCV002228824 appears to be redundant with SCV003794377.

Literature cited by the submitters: PubMed 17989220; PubMed 17080092; PubMed 21119115; PubMed 25666262; PubMed 26581487.

NC_000023.10:g.(?_122318388)_(123505241_?)del

Genes: STAG2 (STAG2 cohesin complex component; plus strand), GRIA3 (glutamate ionotropic receptor AMPA type subunit 3; plus strand), SH2D1A (SH2 domain containing 1A; plus strand), THOC2 (THO complex subunit 2; minus strand), XIAP (X-linked inhibitor of apoptosis; plus strand). Cytogenetic location: Xq25.
Variant type: Deletion.
Identifiers: ClinVar variation 1455382 (VCV001455382.6).